The following is an entry in ClinVar:

NM_003036.4(SKI):c.1909C>G (p.Leu637Val)

Gene: SKI (SKI proto-oncogene; plus strand). Cytogenetic location: 1p36.32.
Variant type: single nucleotide variant.
Coding change: c.1909C>G on transcript NM_003036.4 (MANE Select); coding-DNA position 1909, C replaced by G.
Protein change: p.Leu637Val; replaces leucine 637 with valine.
Molecular consequence: missense variant.
Genome position (GRCh38, 1-based): chr1:2,306,161, C>G. VCF-style: chr1-2306161-C-G. GRCh37 (hg19) VCF-style: chr1-2237600-C-G.
Other names: short protein forms L637V.
Identifiers: ClinVar variation 4802023 (VCV004802023.1).

ClinVar aggregate classification (germline): Uncertain significance (1 of 4 stars; one submission).

Conditions:
Shprintzen-Goldberg syndrome (SGS). Also called: Marfanoid disorder with craniosynostosis type 1; Marfanoid craniosynostosis syndrome; Shprintzen-Goldberg marfanoid syndrome; SHPRINTZEN-GOLDBERG CRANIOSYNOSTOSIS SYNDROME; CRANIOSYNOSTOSIS WITH ARACHNODACTYLY AND ABDOMINAL HERNIAS. Identifiers: Orphanet 2462, MedGen C1321551, MONDO:0008426, OMIM 182212.

Submission:

Labcorp Genetics (formerly Invitae), Labcorp
Classification: Uncertain significance for Shprintzen-Goldberg syndrome. Last evaluated: 2025-04-07. Review status: criteria provided, single submitter. Criteria: Invitae Variant Classification Sherloc (09022015). Collection method: clinical testing. Allele origin: germline.
Comment: This sequence change replaces leucine, which is neutral and non-polar, with valine, which is neutral and non-polar, at codon 637 of the SKI protein (p.Leu637Val). The frequency data for this variant in the population databases is considered unreliable, as metrics indicate poor data quality at this position in the gnomAD database. This variant has not been reported in the literature in individuals affected with SKI-related conditions. Invitae Evidence Modeling of protein sequence and biophysical properties (such as structural, functional, and spatial information, amino acid conservation, physicochemical variation, residue mobility, and thermodynamic stability) has been performed for this missense variant. However, the output from this modeling did not meet the statistical confidence thresholds required to predict the impact of this variant on SKI protein function. In summary, the available evidence is currently insufficient to determine the role of this variant in disease. Therefore, it has been classified as a Variant of Uncertain Significance.